The following is an entry in ClinVar:

ClinVar aggregate classification (germline): Uncertain significance (1 of 4 stars; one submission).

gnomAD v4.1: 11 of 1,613,978 alleles (0.00068%); highest among the groups gnomAD compares: East Asian, 0.0089%; no homozygotes.

Submission:

Women's Health and Genetics/Laboratory Corporation of America, LabCorp
Classification: Uncertain significance. Last evaluated: 2024-06-28. Review status: criteria provided, single submitter. Criteria: LabCorp Variant Classification Summary - May 2015. Collection method: clinical testing. Allele origin: germline.
Comment: Variant summary: CUX1 c.2738G>A (p.Arg913His) results in a non-conservative amino acid change in the encoded protein sequence. Three of five in-silico tools predict a damaging effect of the variant on protein function. The variant allele was found at a frequency of 8e-06 in 250678 control chromosomes. The available data on variant occurrences in the general population are insufficient to allow any conclusion about variant significance. To our knowledge, no occurrence of c.2738G>A in individuals affected with Global Developmental Delay With Or Without Impaired Intellectual Development and no experimental evidence demonstrating its impact on protein function have been reported. No submitters have cited clinical-significance assessments for this variant to ClinVar. Based on the evidence outlined above, the variant was classified as uncertain significance.

Literature cited by the submitters: PubMed 23212519; PubMed 24316979; PubMed 31320321; PubMed 30515541.

NM_181552.4(CUX1):c.2705G>A (p.Arg902His)

Gene: CUX1 (cut like homeobox 1; plus strand). Cytogenetic location: 7q22.1.
Variant type: single nucleotide variant.
Coding change: c.2705G>A on transcript NM_181552.4 (MANE Select); coding-DNA position 2705, G replaced by A.
Protein change: p.Arg902His; replaces arginine 902 with histidine.
Molecular consequence: missense variant. On other transcripts: intron variant (5).
Genome position (GRCh38, 1-based): chr7:102,202,002, G>A. VCF-style: chr7-102202002-G-A. GRCh37 (hg19) VCF-style: chr7-101845282-G-A.
Other names: c.2738G>A, p.Arg913His (NM_001202543.2); c.1255+6399G>A (NM_001913.5); c.1249+6399G>A (NM_181500.4); c.1117+6399G>A (NM_001202545.3); c.1207+6399G>A (NM_001202544.3); c.1138+6399G>A (NM_001202546.3); short protein forms R902H, R913H.
Identifiers: ClinVar variation 3339878 (VCV003339878.1).
Genomic context (GRCh38, chr7:102,202,002, plus strand): 5'-GGCCCAGCGCTGAGTCCCCATACTCCCAGAGCTCAGAGCTGAGTCTGACCGGGGCCAGCC[G>A]CAGCGAGACACCACAGAACAGCCCCCTGCCATCCTCCCCGATCGTGCCCATGTCCAAGCC-3'
Protein context (NP_853530.2, residues 892-912): SSELSLTGAS[Arg902His]SETPQNSPLP